The following is an entry in ClinVar:

NM_174889.5(NDUFAF2):c.120C>T (p.Asn40=)

Gene: NDUFAF2 (NADH:ubiquinone oxidoreductase complex assembly factor 2; plus strand). Cytogenetic location: 5q12.1.
Variant type: single nucleotide variant.
Coding change: c.120C>T on transcript NM_174889.5 (MANE Select); coding-DNA position 120, C replaced by T.
Protein change: p.Asn40=; no amino-acid change (asparagine 40 retained).
Molecular consequence: synonymous variant.
Genome position (GRCh38, 1-based): chr5:60,945,375, C>T. VCF-style: chr5-60945375-C-T. GRCh37 (hg19) VCF-style: chr5-60241202-C-T.
Other names: c.120C>T (NM_174889.4).
Identifiers: ClinVar variation 2161622 (VCV002161622.5), dbSNP rs376747316, ClinGen allele CA3278077.

ClinVar aggregate classification (germline): Conflicting classifications of pathogenicity. Review status: criteria provided, conflicting classifications (1 of 4 stars). 2 submissions from 2 submitters: Uncertain significance (1); Likely benign (1). Last evaluated 2025-04-04.

Allele frequency attached by ClinVar (database versions not stated): ExAC 0.00003; ESP Exome Variant Server 0.00008; gnomAD 0.00009; TOPMed 0.00014; 1000 Genomes Project 30x 0.00016; 1000 Genomes Project 0.00020.
gnomAD v4.1: 24 of 1,614,198 alleles (0.0015%); highest among the groups gnomAD compares: African/African-American, 0.031%; no homozygotes.

Submissions (2):

GeneDx
Classification: Uncertain significance. Last evaluated: 2025-04-04. Review status: criteria provided, single submitter. Criteria: GeneDx Variant Classification Process June 2021. Collection method: clinical testing. Allele origin: germline. Affected: yes.
Comment: In silico analysis indicates that this variant does not alter splicing; Has not been previously published as pathogenic or benign to our knowledge

Labcorp Genetics (formerly Invitae), Labcorp
Classification: Likely benign. Last evaluated: 2024-01-16. Review status: criteria provided, single submitter. Criteria: Invitae Variant Classification Sherloc (09022015). Collection method: clinical testing. Allele origin: germline.